The following is an entry in ClinVar:

NM_002677.5(PMP2):c.142G>A (p.Asp48Asn)

Gene: PMP2 (peripheral myelin protein 2; minus strand). Cytogenetic location: 8q21.13.
Variant type: single nucleotide variant.
Coding change: c.142G>A on transcript NM_002677.5 (MANE Select); coding-DNA position 142, G replaced by A.
Protein change: p.Asp48Asn; replaces aspartic acid 48 with asparagine.
Molecular consequence: missense variant. On other transcripts: intron variant (1).
Genome position (GRCh38, 1-based): chr8:81,444,921, C>T on the plus strand (G>A on the coding strand, the complement: PMP2 is on the minus strand). VCF-style: chr8-81444921-C-T. GRCh37 (hg19) VCF-style: chr8-82357156-C-T.
Other names: c.74-320G>A (NM_001348381.2); c.142G>A (NM_002677.3); short protein forms D48N.
Identifiers: ClinVar variation 2160762 (VCV002160762.5), dbSNP rs1807421889, ClinGen allele CA371518122.

ClinVar aggregate classification (germline): Uncertain significance. Review status: criteria provided, multiple submitters, no conflicts (2 of 4 stars). 2 submissions from 2 submitters: Uncertain significance (2). Last evaluated 2022-08-30.

Conditions:
Inborn genetic diseases. Identifiers: MedGen C0950123, MeSH D030342.

Allele frequency attached by ClinVar (database versions not stated): gnomAD 0.00001; TOPMed 0.00001.
gnomAD v4.1: 2 of 1,613,762 alleles (0.00012%); highest among the groups gnomAD compares: African/African-American, 0.0013%; no homozygotes.

Submissions (2):

Ambry Genetics
Classification: Uncertain significance for Inborn genetic diseases. Last evaluated: 2022-08-30. Review status: criteria provided, single submitter. Criteria: Ambry Variant Classification Scheme 2023. Collection method: clinical testing. Allele origin: germline.

Labcorp Genetics (formerly Invitae), Labcorp
Classification: Uncertain significance. Last evaluated: 2022-07-29. Review status: criteria provided, single submitter. Criteria: Invitae Variant Classification Sherloc (09022015). Collection method: clinical testing. Allele origin: germline.
Comment: This variant is not present in population databases (gnomAD no frequency). In summary, the available evidence is currently insufficient to determine the role of this variant in disease. Therefore, it has been classified as a Variant of Uncertain Significance. Algorithms developed to predict the effect of missense changes on protein structure and function (SIFT, PolyPhen-2, Align-GVGD) all suggest that this variant is likely to be tolerated. This variant has not been reported in the literature in individuals affected with PMP2-related conditions. This sequence change replaces aspartic acid, which is acidic and polar, with asparagine, which is neutral and polar, at codon 48 of the PMP2 protein (p.Asp48Asn).